The following is an entry in ClinVar:

NM_021076.4(NEFH):c.652AAG[1] (p.Lys219del)

Gene: NEFH (neurofilament heavy chain; plus strand). Cytogenetic location: 22q12.2.
Variant type: Microsatellite.
Coding change: c.652AAG[1] on transcript NM_021076.4 (MANE Select); one copy of the 3-base unit AAG starting at c.652; the reference has two copies in a row; one copy, 3 bases deleted.
Protein change: p.Lys219del; deletes lysine 219.
Molecular consequence: inframe deletion.
Genome position (GRCh38, 1-based): chr22:29,480,917-29,480,919, AAG deleted; deleting any 3 consecutive bases within chr22:29,480,912-29,480,919 gives the same sequence; the position shown is the placement nearest the transcript's 3' end. VCF-style (leftmost placement, unchanged base first): chr22-29480911-CAGA-C. GRCh37 (hg19) VCF-style: chr22-29876900-CAGA-C.
Other names: c.655_657delAAG (NM_021076.4); short protein forms K219del.
Identifiers: ClinVar variation 3607318 (VCV003607318.3).

ClinVar aggregate classification (germline): Uncertain significance. Review status: criteria provided, multiple submitters, no conflicts (2 of 4 stars). 2 submissions from 2 submitters: Uncertain significance (2). Last evaluated 2026-03-18.

Submissions (2):

Women's Health and Genetics/Laboratory Corporation of America, LabCorp
Classification: Uncertain significance. Last evaluated: 2026-03-18. Review status: criteria provided, single submitter. Criteria: LabCorp Variant Classification Summary - May 2015. Collection method: clinical testing. Allele origin: germline.
Comment: Variant summary: NEFH c.655_657delAAG (p.Lys219del) results in an in-frame deletion that is predicted to remove *** amino acids from the encoded protein. The variant was absent in 101646 control chromosomes. The available data on variant occurrences in the general population are insufficient to allow any conclusion about variant significance. To our knowledge, no occurrence of c.655_657delAAG in individuals affected with NEFH-related conditions and no experimental evidence demonstrating its impact on protein function have been reported. ClinVar contains an entry for this variant (Variation ID: 3607318). Based on the evidence outlined above, the variant was classified as uncertain significance.

Labcorp Genetics (formerly Invitae), Labcorp
Classification: Uncertain significance. Last evaluated: 2024-07-01. Review status: criteria provided, single submitter. Criteria: Invitae Variant Classification Sherloc (09022015). Collection method: clinical testing. Allele origin: germline.
Comment: This variant, c.655_657del, results in the deletion of 1 amino acid(s) of the NEFH protein (p.Lys219del), but otherwise preserves the integrity of the reading frame. This variant is not present in population databases (gnomAD no frequency). This variant has not been reported in the literature in individuals affected with NEFH-related conditions. Experimental studies and prediction algorithms are not available or were not evaluated, and the functional significance of this variant is currently unknown. In summary, the available evidence is currently insufficient to determine the role of this variant in disease. Therefore, it has been classified as a Variant of Uncertain Significance.